The following is an entry in ClinVar:

NC_000006.11:g.(44274270_44274659)_(44278181_44278730)del

Gene: AARS2 (alanyl-tRNA synthetase 2, mitochondrial; minus strand). Cytogenetic location: 6p21.1.
Variant type: Deletion.
Identifiers: ClinVar variation 3768707 (VCV003768707.1).

ClinVar aggregate classification (germline): Pathogenic (1 of 4 stars; one submission).

Conditions:
AARS2-related disorder. Also called: AARS2-related condition; AARS2-related disorders. Identifiers: MedGen CN381518, MONDO:1060240.

Submission:

Women's Health and Genetics/Laboratory Corporation of America, LabCorp
Classification: Pathogenic for AARS2-Related Disorders. Last evaluated: 2025-02-06. Review status: criteria provided, single submitter. Criteria: LabCorp Variant Classification Summary - May 2015. Collection method: clinical testing. Allele origin: germline.
Comment: Variant summary: The variant involves the deletion of exons 5-7 in the AARS2 gene. A presumed nomenclature of c.(749+1_750-1)_(1149+1_1150-1)del has been designated for the purposes of this classification. The variant allele was found at a frequency of 0.00023 in 21694 control chromosomes. c.(749+1_750-1)_(1149+1_1150-1)del has been reported in the literature in at least one compound heterozygous individual affected with AARS2-Related Disorders (e.g., Thiffault_2018). To our knowledge, no experimental evidence demonstrating an impact on protein function has been reported. The following publication has been ascertained in the context of this evaluation (PMID: 30008475). No submitters have cited clinical-significance assessments for this variant to ClinVar. Based on the evidence outlined above, the variant was classified as pathogenic.

Literature cited by the submitters: PubMed 30008475.